The following is an entry in ClinVar:

NM_007118.4(TRIO):c.7357del (p.Ala2453fs)

Gene: TRIO (trio Rho guanine nucleotide exchange factor; plus strand). Cytogenetic location: 5p15.2.
Variant type: Deletion.
Coding change: c.7357del on transcript NM_007118.4 (MANE Select); coding-DNA position 7357, one base deleted (G; older notation c.7357delG).
Protein change: p.Ala2453fs; shifts the reading frame from alanine 2453.
Molecular consequence: frameshift variant.
Genome position (GRCh38, 1-based): chr5:14,487,985, G deleted; the last of 4 consecutive G bases (chr5:14,487,982-14,487,985); deleting any one gives the same sequence. VCF-style (leftmost placement, unchanged base first): chr5-14487981-CG-C. GRCh37 (hg19) VCF-style: chr5-14488090-CG-C.
Other names: c.7357del (NM_007118.2); short protein forms A2453fs.
Identifiers: ClinVar variation 597540 (VCV000597540.6), dbSNP rs1372405222, ClinGen allele CA913189716.
Genomic context (GRCh38, chr5:14,487,981, plus strand): 5'-CGCCCCCGCCAAGGACGCGCGCGCTAGCCTGGGCACCCTGCCGCTTGGGAAGCCCCGGGC[CG>C]GGGCCGCTTCGCCGCTGAACTCGCCGCTCTCCAGCGCGGTCCCTTCTCTCGGCAAGGAGC-3'

ClinVar aggregate classification (germline): Conflicting classifications of pathogenicity. Review status: criteria provided, conflicting classifications (1 of 4 stars). 2 submissions from 2 submitters: Likely pathogenic (1); Uncertain significance (1). Last evaluated 2025-02-14.

Submissions (2):

GeneDx
Classification: Likely pathogenic. Last evaluated: 2025-02-14. Review status: criteria provided, single submitter. Criteria: GeneDx Variant Classification Process June 2021. Collection method: clinical testing. Allele origin: germline. Affected: yes.
Comment: Identified in individuals from a cohort of patients with autism; detailed clinical information was not provided (PMID: 34312540); Frameshift variant predicted to result in protein truncation or nonsense mediated decay in a gene for which loss of function is a known mechanism of disease; Not observed at significant frequency in large population cohorts (gnomAD); This variant is associated with the following publications: (PMID: 34312540)

Eurofins Ntd Llc (ga)
Classification: Uncertain significance. Last evaluated: 2018-06-06. Review status: criteria provided, single submitter. Criteria: EGL ClinVar v180209 classification definitions. Collection method: clinical testing. Allele origin: germline. Observed: 1 variant allele, 1 heterozygote.